The following is an entry in ClinVar:

ClinVar aggregate classification (germline): Conflicting classifications of pathogenicity. Review status: criteria provided, conflicting classifications (1 of 4 stars). 6 submissions from 6 submitters: Pathogenic (1); Likely pathogenic (2); Uncertain significance (3). Last evaluated 2026-09-17.

Conditions:
DES-related disorders.
Cardiovascular phenotype. Identifiers: MedGen CN230736.
Dilated cardiomyopathy 1I (CMD1I). Identifiers: Orphanet 154, MedGen C1858154, MONDO:0011482, OMIM 604765.
Desmin-related myofibrillar myopathy (MFM1). Also called: Desminopathy; Myofibrillar myopathy 1; Desmin related myopathy (former name); Desmin storage myopathy (former name); MYOFIBRILLAR MYOPATHY WITH ARRHYTHMOGENIC RIGHT VENTRICULAR CARDIOMYOPATHY; DESMIN-RELATED MYOPATHY WITH ARRHYTHMOGENIC RIGHT VENTRICULAR CARDIOMYOPATHY. Identifiers: Orphanet 363543, Orphanet 98909, MedGen C1832370, MONDO:0011076, OMIM 601419.
Neurogenic scapuloperoneal syndrome, Kaeser type (SCPNK). Also called: KAESER SYNDROME. Identifiers: Orphanet 85146, MedGen C1867005, MONDO:0008407, OMIM 181400.
DES-related disorder. Also called: DES-related condition.

Allele frequency attached by ClinVar (database versions not stated): gnomAD 0.00001; TOPMed 0.00001; gnomAD exomes 0.00001 and below 0.00001.
gnomAD v4.1: 5 of 1,613,940 alleles (0.00031%); highest among the groups gnomAD compares: African/African-American, 0.004%; no homozygotes.

Submissions (6):

GeneDx
Classification: Pathogenic. Last evaluated: 2026-09-17. Review status: criteria provided, single submitter. Criteria: GeneDx Variant Classification Process June 2021. Collection method: clinical testing. Allele origin: germline.
Comment: Identified in two families with arrhythmogenic cardiomyopathy in published literature (PMID: 38727660) and in individuals with cardiomyopathy referred for genetic testing at GeneDx; Published functional studies demonstrate a damaging effect through aberrant filament assembly (PMID: 38727660, 42381621); Not observed at significant frequency in large population cohorts (gnomAD); In silico analysis supports that this missense variant has a deleterious effect on protein structure/function; This variant is associated with the following publications: (PMID: 40571342, 42412289, 38727660, 42381621)

PreventionGenetics, part of Exact Sciences
Classification: Likely pathogenic for DES-related condition. Last evaluated: 2026-02-05. Review status: criteria provided, single submitter. Criteria: ACMG Guidelines, 2015. Collection method: clinical testing. Allele origin: germline.
Comment: The DES c.1217G>A variant is predicted to result in the amino acid substitution p.Arg406Gln. This variant has been reported to segregate with arrhythmogenic cardiomyopathy in one family (Supplemental Table 4 and Supplemental Figure 16, Bermudez-Jimenez et al. 2024. PubMed ID: 38727660). This variant has also been reported as a variant of uncertain significance in a cohort of individuals referred for genetic testing of cardiomyopathy and/or arrhythmia; however, detailed clinical information was not available (Supplement 2, Dellefave-Castillo et al. 2022. PubMed ID: 35947370). At PreventionGenetics, this variant has been identified in multiple individuals with DES-related disorders (internal data). Functional studies showed that this variant results in abnormal desmin filament formations and cytoplasmic aggregates (Supplemental Table 4 and Supplemental Figure 3, Bermudez-Jimenez et al. 2024. PubMed ID: 38727660). This variant is reported in 0.0033% of alleles in individuals of South Asian descent in gnomAD. An alternate missense change at the same amino acid position, c.1216C>T (p.Arg406Trp), has been reported to be pathogenic for desmin-related myopathy (Dalakas et al. 2000. PubMed ID: 10717012; Punetha et al. 2016. PubMed ID: 27854218). The Arg406 residue has been documented to be critical for intrahelical salt-bridge interactions and the disruption of this residue has been shown to impede the proper formation of desmin network (Goudeau et al. 2006. PubMed ID: 16865695). Taken together, the c.1217G>A (p.Arg406Gln) variant is interpreted as likely pathogenic.

Labcorp Genetics (formerly Invitae), Labcorp
Classification: Uncertain significance for Desmin-related myofibrillar myopathy. Last evaluated: 2025-11-23. Review status: criteria provided, single submitter. Criteria: Invitae Variant Classification Sherloc (09022015). Collection method: clinical testing. Allele origin: germline.
Comment: This sequence change replaces arginine, which is basic and polar, with glutamine, which is neutral and polar, at codon 406 of the DES protein (p.Arg406Gln). This variant is present in population databases (no rsID available, gnomAD 0.003%). This variant has not been reported in the literature in individuals affected with DES-related conditions. ClinVar contains an entry for this variant (Variation ID: 377769). Invitae Evidence Modeling of protein sequence and biophysical properties (such as structural, functional, and spatial information, amino acid conservation, physicochemical variation, residue mobility, and thermodynamic stability) has been performed for this missense variant. However, the output from this modeling did not meet the statistical confidence thresholds required to predict the impact of this variant on DES protein function. This variant disrupts the p.Arg406 amino acid residue in DES. Other variant(s) that disrupt this residue have been determined to be pathogenic (PMID: 10717012, 10905661, 14991347). This suggests that this residue is clinically significant, and that variants that disrupt this residue are likely to be disease-causing. In summary, the available evidence is currently insufficient to determine the role of this variant in disease. Therefore, it has been classified as a Variant of Uncertain Significance.

Blueprint Genetics
Classification: Likely pathogenic for DES-related disorders. Last evaluated: 2022-11-16. Review status: criteria provided, single submitter. Criteria: ACMG Guidelines, 2015. Collection method: clinical testing. Allele origin: germline. Affected: yes. Observed: 2 variant alleles.

Fulgent Genetics
Classification: Uncertain significance for Neurogenic scapuloperoneal syndrome, Kaeser type; Desmin-related myofibrillar myopathy; Dilated cardiomyopathy 1I. Last evaluated: 2022-03-03. Review status: criteria provided, single submitter. Criteria: ACMG Guidelines, 2015. Collection method: clinical testing. Allele origin: unknown.

Ambry Genetics
Classification: Uncertain significance for Cardiovascular phenotype. Last evaluated: 2021-10-04. Review status: criteria provided, single submitter. Criteria: Ambry Variant Classification Scheme 2023. Collection method: clinical testing. Allele origin: germline.
Comment: The p.R406Q variant (also known as c.1217G>A), located in coding exon 6 of the DES gene, results from a G to A substitution at nucleotide position 1217. This variant was detected in an individual with arrhythmogenic right ventricular cardiomyopathy (ARVC); however, this individual was also reported to have a PKP2 frameshift variant (Orgeron GM et al. J Am Heart Assoc, 2017 Jun;6:[Epub ahead of print]; Assis FR et al. Heart Rhythm, 2019 07;16:1003-1010). The arginine at codon 406 is replaced by glutamine, an amino acid with highly similar properties. This amino acid position is highly conserved in available vertebrate species. In addition, this alteration is predicted to be deleterious by in silico analysis. Since supporting evidence is limited at this time, the clinical significance of this alteration remains unclear.

Literature cited by the submitters: PubMed 10717012 (cited by Labcorp Genetics (formerly Invitae), Labcorp); PubMed 10905661 (cited by Labcorp Genetics (formerly Invitae), Labcorp); PubMed 14991347 (cited by Labcorp Genetics (formerly Invitae), Labcorp); PubMed 28588093 (cited by Ambry Genetics); PubMed 30677492 (cited by Ambry Genetics).

NM_001927.4(DES):c.1217G>A (p.Arg406Gln)

Gene: DES (desmin; plus strand). Cytogenetic location: 2q35.
Variant type: single nucleotide variant.
Coding change: c.1217G>A on transcript NM_001927.4 (MANE Select); coding-DNA position 1217, G replaced by A.
Protein change: p.Arg406Gln; replaces arginine 406 with glutamine.
Molecular consequence: missense variant.
Genome position (GRCh38, 1-based): chr2:219,421,533, G>A. VCF-style: chr2-219421533-G-A. GRCh37 (hg19) VCF-style: chr2-220286255-G-A.
Other names: c.1217G>A (LRG_380t1); short protein forms R406Q.
Identifiers: ClinVar variation 377769 (VCV000377769.19), dbSNP rs1057520275, ClinGen allele CA16604146.